The following is an entry in ClinVar:

ClinVar aggregate classification (germline): Benign/Likely benign. Review status: criteria provided, multiple submitters, no conflicts (2 of 4 stars). 2 submissions from 2 submitters: Benign (1); Likely benign (1). Last evaluated 2025-07-01.

Allele frequency attached by ClinVar (database versions not stated): TOPMed 0.00025; ESP Exome Variant Server 0.00031; gnomAD exomes 0.00035; gnomAD 0.00046; ExAC 0.00051.

Submissions (2):

CeGaT Center for Human Genetics Tuebingen
Classification: Likely benign. Last evaluated: 2025-07-01. Review status: criteria provided, single submitter. Criteria: CeGaT Center For Human Genetics Tuebingen Variant Classification Criteria Version 2. Collection method: clinical testing. Allele origin: germline. Affected: yes. Observed: 3 variant alleles.
Comment: KAT5: BP4, BP7

Laboratory of Genetics, Children's Clinical University Hospital Latvia
Classification: Benign. Last evaluated: 2025-02-16. Review status: criteria provided, single submitter. Criteria: ACMG Guidelines, 2015. Collection method: clinical testing. Allele origin: germline. Affected: yes.

NM_182710.3(KAT5):c.129C>T (p.Gly43=)

Genes: KAT5 (lysine acetyltransferase 5; plus strand), LOC130006059 (ATAC-STARR-seq lymphoblastoid silent region 3551; plus strand). Cytogenetic location: 11q13.1.
Variant type: single nucleotide variant.
Coding change: c.129C>T on transcript NM_182710.3 (MANE Select); coding-DNA position 129, C replaced by T.
Protein change: p.Gly43=; no amino-acid change (glycine 43 retained).
Molecular consequence: synonymous variant.
Genome position (GRCh38, 1-based): chr11:65,712,396, C>T. VCF-style: chr11-65712396-C-T. GRCh37 (hg19) VCF-style: chr11-65479867-C-T.
Other names: c.129C>T, p.Gly43= (NM_001206833.2); c.30C>T, p.Gly10= (NM_006388.4, NM_182709.3).
Identifiers: ClinVar variation 2641967 (VCV002641967.25), dbSNP rs145735863, ClinGen allele CA6107047.